The following is an entry in ClinVar:

NM_024408.4(NOTCH2):c.4076A>G (p.His1359Arg)

Gene: NOTCH2 (notch receptor 2; minus strand). Cytogenetic location: 1p12.
Variant type: single nucleotide variant.
Coding change: c.4076A>G on transcript NM_024408.4 (MANE Select); coding-DNA position 4076, A replaced by G.
Protein change: p.His1359Arg; replaces histidine 1359 with arginine.
Molecular consequence: missense variant.
Genome position (GRCh38, 1-based): chr1:119,925,740, T>C on the plus strand (A>G on the coding strand, the complement: NOTCH2 is on the minus strand). VCF-style: chr1-119925740-T-C. GRCh37 (hg19) VCF-style: chr1-120468363-T-C.
Other names: short protein forms H1359R.
Identifiers: ClinVar variation 2865225 (VCV002865225.3), dbSNP rs1570664203, ClinGen allele CA341891031.
Genomic context (GRCh38, chr1:119,925,740, plus strand): 5'-GCACAGCCTGACTCGCAGTCCCGGGGACTGGGGCAGAAGCAGCGGGGTCCAGAGGCGGTG[T>C]GCACACACTGCTCCCCCTTCCTACATTTCACTTGTCCACAGCTGCTCTGGCACCTTGCCC-3'
Protein context (NP_077719.2, residues 1349-1369): VKCRKGEQCV[His1359Arg]TASGPRCFCP

ClinVar aggregate classification (germline): Uncertain significance (1 of 4 stars; one submission).

Conditions:
Hajdu-Cheney syndrome (HJCYS). Also called: ACROOSTEOLYSIS WITH OSTEOPOROSIS AND CHANGES IN SKULL AND MANDIBLE; SERPENTINE FIBULA-POLYCYSTIC KIDNEY SYNDROME; Acroosteolysis dominant type. Identifiers: Orphanet 955, MedGen C0917715, MONDO:0007057, OMIM 102500.

Submission:

Labcorp Genetics (formerly Invitae), Labcorp
Classification: Uncertain significance for Hajdu-Cheney syndrome. Last evaluated: 2023-06-23. Review status: criteria provided, single submitter. Criteria: Invitae Variant Classification Sherloc (09022015). Collection method: clinical testing. Allele origin: germline.
Comment: In summary, the available evidence is currently insufficient to determine the role of this variant in disease. Therefore, it has been classified as a Variant of Uncertain Significance. Advanced modeling of protein sequence and biophysical properties (such as structural, functional, and spatial information, amino acid conservation, physicochemical variation, residue mobility, and thermodynamic stability) performed at Invitae indicates that this missense variant is not expected to disrupt NOTCH2 protein function. This variant has not been reported in the literature in individuals affected with NOTCH2-related conditions. This variant is not present in population databases (gnomAD no frequency). This sequence change replaces histidine, which is basic and polar, with arginine, which is basic and polar, at codon 1359 of the NOTCH2 protein (p.His1359Arg).